The following is an entry in ClinVar:

NM_001127222.2(CACNA1A):c.4429G>T (p.Gly1477Cys)

Gene: CACNA1A (calcium voltage-gated channel subunit alpha1 A; minus strand). Cytogenetic location: 19p13.13.
Variant type: single nucleotide variant.
Coding change: c.4429G>T on transcript NM_001127222.2 (MANE Select); coding-DNA position 4429, G replaced by T.
Protein change: p.Gly1477Cys; replaces glycine 1477 with cysteine.
Molecular consequence: missense variant.
Genome position (GRCh38, 1-based): chr19:13,257,511, C>A on the plus strand (G>T on the coding strand, the complement: CACNA1A is on the minus strand). VCF-style: chr19-13257511-C-A. GRCh37 (hg19) VCF-style: chr19-13368325-C-A.
Other names: c.4441G>T, p.Gly1481Cys (NM_000068.4, NM_023035.3); c.4432G>T, p.Gly1478Cys (NM_001127221.2, NM_001174080.2); short protein forms G1481C, G1477C, G1478C.
Identifiers: ClinVar variation 3571771 (VCV003571771.1).
Genomic context (GRCh38, chr19:13,257,511, plus strand): 5'-ACACCACAAAGTAGACGACGTAGAAAATGGACATCTCCATGCGGTACCCGGGGCTGGGGC[C>A]CTGGTTCTCAAAGGTGGCGTCCACCGAATGCTTGAGGACCCTGCAAGGAATGGGGCAGGG-3'
Protein context (NP_001120694.1, residues 1467-1487): HSVDATFENQ[Gly1477Cys]PSPGYRMEMS

ClinVar aggregate classification (germline): Uncertain significance (1 of 4 stars; one submission).

Submission:

Athena Diagnostics
Classification: Uncertain significance. Last evaluated: 2024-02-13. Review status: criteria provided, single submitter. Criteria: Athena Diagnostics Criteria. Collection method: clinical testing. Allele origin: unknown.
Comment: Available data are insufficient to determine the clinical significance of the variant at this time. This variant has not been reported in large, multi-ethnic general populations. Computational tools predict that this variant is damaging.